The following is an entry in ClinVar:

ClinVar aggregate classification (germline): Conflicting classifications of pathogenicity. Review status: criteria provided, conflicting classifications (1 of 4 stars). 6 submissions from 6 submitters: Likely pathogenic (2); Uncertain significance (2). 2 of the submissions do not count toward it. Last evaluated 2026-06-16.

Conditions:
Mitochondrial neurogastrointestinal encephalomyopathy. Also called: Mitochondrial neurogastrointestinal encephalopathy syndrome; MNGIE syndrome; Thymidine phosphorylase deficiency. Identifiers: Orphanet 298, MedGen C0872218, MONDO:0017575.
Mitochondrial DNA depletion syndrome 1. Also called: Mitochondrial DNA depletion syndrome 1 (MNGIE type); Mitochondrial DNA Depletion Syndrome, MNGIE Form; MITOCHONDRIAL NEUROGASTROINTESTINAL ENCEPHALOPATHY SYNDROME, TYMP-RELATED; MNGIE, TYMP-RELATED; Mitochondrial neurogastrointestinal encephalomyopathy syndrome; POLIP SYNDROME. Identifiers: Orphanet 298, MedGen C4551995, MONDO:0011283, OMIM 603041.

Submissions (6):

Women's Health and Genetics/Laboratory Corporation of America, LabCorp
Classification: Uncertain significance. Last evaluated: 2026-06-16. Review status: criteria provided, single submitter. Criteria: LabCorp Variant Classification Summary - May 2015. Collection method: clinical testing. Allele origin: germline.
Comment: Variant summary: TYMP c.1193_1198delCGCTGG (p.Ala398_Leu399del) results in an in-frame deletion that is predicted to remove 2 amino acids from the encoded protein. The variant allele was found at a frequency of 1.2e-05 in 86072 control chromosomes. The available data on variant occurrences in the general population are insufficient to allow any conclusion about variant significance. c.1193_1198delCGCTGG has been observed in an individual affected with TYMP-related conditions (Nishino_1999). These data do not allow any conclusion about variant significance. To our knowledge, no experimental evidence demonstrating an impact on protein function has been reported. The following publication have been ascertained in the context of this evaluation (PMID: 9924029). ClinVar contains an entry for this variant (Variation ID: 16659). Based on the evidence outlined above, the variant was classified as uncertain significance.

Natera, Inc.
Classification: Likely pathogenic for Mitochondrial neurogastrointestinal encephalomyopathy. Last evaluated: 2025-03-12. Review status: criteria provided, single submitter. Criteria: Natera Variant Classification Schema (03/2026). Collection method: clinical testing. Allele origin: germline.
Comment: The c.1193_1198delCGCTGG variant in TYMP is an in-frame deletion. This variant is rare in the general population with a frequency below the threshold expected for the associated phenotype(s). This variant has been observed in one or more individuals affected with the associated recessive disease, as either homozygous or compound heterozygous with a second variant (PMID: 9924029). This variant results in a change to the protein length while preserving reading frame, which may disrupt normal protein structure or function. Computational prediction algorithms indicate this variant is likely to affect gene or protein function. Given the available evidence, this variant is classified as Likely Pathogenic.

Baylor Genetics
Classification: Likely pathogenic for Mitochondrial DNA depletion syndrome 1. Last evaluated: 2024-03-30. Review status: criteria provided, single submitter. Criteria: ACMG Guidelines, 2015. Collection method: clinical testing. Allele origin: unknown.

Blueprint Genetics
Classification: Uncertain significance. Last evaluated: 2021-10-29. Review status: criteria provided, single submitter. Criteria: ACMG Guidelines, 2015. Collection method: clinical testing. Allele origin: germline.

GeneReviews
Classification: Pathogenic for Mitochondrial DNA depletion syndrome 1. Last evaluated: 2016-01-14. Review status: no assertion criteria provided. Collection method: literature only. Allele origin: germline. Affected: yes. Not counted in ClinVar's aggregate classification.

OMIM
Classification: Pathogenic for MITOCHONDRIAL DNA DEPLETION SYNDROME 1 (MNGIE TYPE). Last evaluated: 1999-01-29. Review status: no assertion criteria provided. Collection method: literature only. Allele origin: germline. Not counted in ClinVar's aggregate classification.

Literature cited by the submitters: PubMed 9924029 (cited by 4 submitters).

NM_001953.5(TYMP):c.1187CGCTGG[1] (p.Ala398_Leu399del)

Genes: SCO2 (synthesis of cytochrome C oxidase 2; minus strand), TYMP (thymidine phosphorylase; minus strand), LOC130067862 (ATAC-STARR-seq lymphoblastoid silent region 13986; plus strand). Cytogenetic location: 22q13.33.
Variant type: Microsatellite.
Coding change: c.1187CGCTGG[1] on transcript NM_001953.5 (MANE Select); one copy of the 6-base unit CGCTGG starting at c.1187; the reference has two copies in a row; one copy, 6 bases deleted; also written c.1193_1198del.
Protein change: p.Ala398_Leu399del.
Molecular consequence: inframe deletion. On other transcripts: 5 prime UTR variant (1), intron variant (1).
Genome position (GRCh38, 1-based): chr22:50,526,103-50,526,108, CCAGCG deleted on the plus strand (CGCTGG on the coding strand, the reverse complement: TYMP is on the minus strand); deleting any 6 consecutive bases within chr22:50,526,103-50,526,114 gives the same sequence; the position shown is the placement nearest the transcript's 3' end. VCF-style (leftmost placement, unchanged base first): chr22-50526102-ACCAGCG-A. GRCh37 (hg19) VCF-style: chr22-50964531-ACCAGCG-A.
Other names: c.1193_1198del (NM_001953.5); c.1187CGCTGG[1], p.Ala398_Leu399del (NM_001113755.3, NM_001113756.3, NM_001257988.1); c.1202CGCTGG[1], p.Ala403_Leu404del (NM_001257989.1); c.-127CGCTGG[1] (NM_001169110.1); c.-14+138_-14+143del (NM_001169109.2); c.1193_1198delCGCTGG (NM_001953.5).
Identifiers: ClinVar variation 16659 (VCV000016659.7), dbSNP rs786205098, ClinGen allele CA212982.